The following is an entry in ClinVar:

ClinVar aggregate classification (germline): Pathogenic (1 of 4 stars; one submission).

Conditions:
Nephronophthisis. Also called: Juvenile Nephronophthisis. Identifiers: Orphanet 655, MedGen C0687120, MONDO:0019005, HP:0000090.
Meckel-Gruber syndrome. Also called: DYSENCEPHALIA SPLANCHNOCYSTICA; GRUBER SYNDROME; Dysencephalia splachnocystica. Identifiers: Orphanet 564, MedGen C0265215, MONDO:0018921.
Joubert syndrome. Also called: CEREBELLOPARENCHYMAL DISORDER IV; JOUBERT-BOLTSHAUSER SYNDROME; Familial aplasia of the vermis. Identifiers: Orphanet 475, MedGen C5979921, MONDO:0018772.

Submission:

Labcorp Genetics (formerly Invitae), Labcorp
Classification: Pathogenic for Joubert syndrome; Meckel-Gruber syndrome; Nephronophthisis. Last evaluated: 2022-05-22. Review status: criteria provided, single submitter. Criteria: Invitae Variant Classification Sherloc (09022015). Collection method: clinical testing. Allele origin: germline.
Comment: For these reasons, this variant has been classified as Pathogenic. This variant has not been reported in the literature in individuals affected with CEP290-related conditions. This variant is a gross deletion of the genomic region encompassing exon(s) 51-52 of the CEP290 gene. This deletion is out-of-frame, and is expected to create a premature termination codon and result in an absent or disrupted protein product. Loss-of-function variants in CEP290 are known to be pathogenic (PMID: 16909394, 17345604, 20690115).

Literature cited by the submitters: PubMed 16909394; PubMed 17345604; PubMed 20690115.

NC_000012.11:g.(?_88447419)_(88448200_?)del

Gene: CEP290 (centrosomal protein 290; minus strand). Cytogenetic location: 12q21.32.
Variant type: Deletion.
Identifiers: ClinVar variation 1454327 (VCV001454327.9).